The following is an entry in ClinVar:

ClinVar aggregate classification (germline): Pathogenic/Likely pathogenic. Review status: criteria provided, multiple submitters, no conflicts (2 of 4 stars). 15 submissions from 15 submitters: Pathogenic (9); Likely pathogenic (3). 3 of the submissions do not count toward it. Last evaluated 2026-07-30.

Conditions:
SNRNP200-related disorder. Also called: SNRNP200-related condition.
Retinitis pigmentosa 33 (RP33). Identifiers: Orphanet 791, MedGen C1835895, MONDO:0012477, OMIM 610359.
Retinal dystrophy. Also called: Inherited retinal dystrophy. Identifiers: Orphanet 71862, MedGen C0854723, MeSH D058499, MONDO:0019118, HP:0000556.
Retinitis pigmentosa (RP). Identifiers: Orphanet 791, MedGen C0035334, MeSH D012174, MONDO:0019200, OMIM 268000. Inheritance: Autosomal dominant, autosomal recessive and X linked inheritance.

Allele frequency attached by ClinVar (database versions not stated): gnomAD exomes below 0.00001.
gnomAD v4.1: 1 of 1,614,130 alleles (0.000062%); no homozygotes.

Submissions (15):

PreventionGenetics, part of Exact Sciences
Classification: Pathogenic for SNRNP200-related condition. Last evaluated: 2026-07-30. Review status: criteria provided, single submitter. Criteria: ACMG Guidelines, 2015. Collection method: clinical testing. Allele origin: germline.
Comment: The SNRNP200 c.2041C>T variant is predicted to result in the amino acid substitution p.Arg681Cys. This variant has been reported many times in individuals with autosomal dominant retinitis pigmentosa (see for examples: Benaglio et al. 2011. PubMed ID: 21618346; Table S8, Koyanagi et al. 2019. PubMed ID: 31213501; Table S1, Weisschuh et al. 2020. PubMed ID: 32531858). Alternate substitutions of this amino acid residue (p.Arg681His and p.Arg681Leu) have also been reported in individuals with autosomal dominant retinitis pigmentosa (Table S1, Lin et al. 2024. PubMed ID: 38219857; Table S2, Sharon et al. 2019. PubMed ID: 31456290). This variant is present in 0.00088% of alleles in individuals of European (Non-Finnish) descent in gnomAD. This variant is interpreted as pathogenic for autosomal dominant disease.

Dasa
Classification: Pathogenic. Last evaluated: 2025-05-08. Review status: criteria provided, single submitter. Criteria: DASA Assertion Criteria. Collection method: clinical testing. Allele origin: germline.
Comment: NM_014014.5(SNRNP200):c.2041C>T (p.Arg681Cys) is a missense variant that results in the substitution of arginine with cysteine. The affected residue or protein region has prior evidence supporting clinical relevance. Segregation evidence has been reported in affected families. This variant has been recurrently observed in individuals with related phenotype (PMID: 31486839; PMID: 31260034; PMID: 24319334; PMID: 21618346). Multiple computational predictions support a deleterious effect on the gene or gene product. The variant is present at low frequency in population datasets. Based on the available data, this variant is classified as pathogenic.

Labcorp Genetics (formerly Invitae), Labcorp
Classification: Pathogenic. Last evaluated: 2025-04-13. Review status: criteria provided, single submitter. Criteria: Invitae Variant Classification Sherloc (09022015). Collection method: clinical testing. Allele origin: germline.
Comment: This sequence change replaces arginine, which is basic and polar, with cysteine, which is neutral and slightly polar, at codon 681 of the SNRNP200 protein (p.Arg681Cys). This variant is present in population databases (no rsID available, gnomAD 0.0009%). This missense change has been observed in individuals with autosomal dominant retinitis pigmentosa (adRP) (PMID: 21618346, 28076437). It has also been observed to segregate with disease in related individuals. ClinVar contains an entry for this variant (Variation ID: 636112). Invitae Evidence Modeling of protein sequence and biophysical properties (such as structural, functional, and spatial information, amino acid conservation, physicochemical variation, residue mobility, and thermodynamic stability) indicates that this missense variant is expected to disrupt SNRNP200 protein function with a positive predictive value of 95%. This variant disrupts the p.Arg681 amino acid residue in SNRNP200. Other variant(s) that disrupt this residue have been determined to be pathogenic (PMID: 21618346, 24940031, 28076437, 30360737). This suggests that this residue is clinically significant, and that variants that disrupt this residue are likely to be disease-causing. For these reasons, this variant has been classified as Pathogenic.

Blueprint Genetics
Classification: Pathogenic for SNRNP200-related disorders. Last evaluated: 2024-07-05. Review status: criteria provided, single submitter. Criteria: ACMG Guidelines, 2015. Collection method: clinical testing. Allele origin: germline. Affected: yes. Observed: 5 variant alleles.

Dept Of Ophthalmology, Nagoya University
Classification: Likely pathogenic for Retinal dystrophy. Last evaluated: 2023-10-01. Review status: criteria provided, single submitter. Criteria: Submitter's publication. Collection method: research. Allele origin: germline. Affected: yes.

Institute of Human Genetics, Univ. Regensburg, Univ. Regensburg
Classification: Pathogenic for Retinal dystrophy. Last evaluated: 2023-01-01. Review status: criteria provided, single submitter. Criteria: ACMG Guidelines, 2015. Collection method: clinical testing. Allele origin: germline. Affected: yes.

Broad Center for Mendelian Genomics, Broad Institute of MIT and Harvard
Classification: Likely pathogenic for Retinitis pigmentosa. Last evaluated: 2021-04-01. Review status: criteria provided, single submitter. Criteria: ACMG Guidelines, 2015. Collection method: curation. Allele origin: germline. Inheritance: Autosomal dominant inheritance. Affected: yes.
Comment: Through a review of available evidence we were able to apply the following criteria: PM2, PP3, PP1-S, PM1. Based on this evidence we have classified this variant as Likely Pathogenic. If you have any questions about the classification please reach out to the Pierce Lab.

Institute of Medical Genetics and Applied Genomics, University Hospital Tübingen
Classification: Pathogenic. Last evaluated: 2020-10-23. Review status: criteria provided, single submitter. Criteria: ACMG Guidelines, 2015. Collection method: clinical testing. Allele origin: germline. Inheritance: Autosomal dominant inheritance. Affected: yes.

CeGaT Center for Human Genetics Tuebingen
Classification: Pathogenic. Last evaluated: 2020-07-01. Review status: criteria provided, single submitter. Criteria: CeGaT Center For Human Genetics Tuebingen Variant Classification Criteria Version 2. Collection method: clinical testing. Allele origin: germline. Affected: yes. Observed: 3 variant alleles.

Mendelics
Classification: Pathogenic for Retinitis pigmentosa. Last evaluated: 2019-05-28. Review status: criteria provided, single submitter. Criteria: Mendelics Assertion Criteria 2017. Collection method: clinical testing. Allele origin: unknown.

ARUP Laboratories, Molecular Genetics and Genomics, ARUP Laboratories
Classification: Likely pathogenic for Retinitis pigmentosa 33. Last evaluated: 2018-09-25. Review status: criteria provided, single submitter. Criteria: ARUP Molecular Germline Variant Investigation Process. Collection method: clinical testing. Allele origin: germline.
Comment: The SNRNP200 c.2041C>T; p.Arg681Cys variant (rs959069360) is reported in the medical literature segregating with disease in at least three families with autosomal dominant retinitis pigmentosa (Benaglio 2011, Bowne 2013). The variant is found in the general population in 1 out of 246188 alleles, indicating it is not a common polymorphism. The arginine at this position is highly conserved and computational algorithms (PolyPhen-2, SIFT) predict this variant is deleterious. Additionally, other protein variants in the same codon, p.Arg681His and p.Arg681Leu, have been described in individuals with retinitis pigmentosa (Benaglio 2011, Bowne 2013, de Castro-Miro 2014). Considering available information, this variant is classified as likely pathogenic. Pathogenic SNRNP200 are causative for autosomal dominant retinitis pigmentosa (MIM: 610359). References: Benaglio P et al. Next generation sequencing of pooled samples reveals new SNRNP200 mutations associated with retinitis pigmentosa. Hum Mutat. 2011 Jun;32(6):E2246-58 Bowne SJ et al. Mutations in the small nuclear riboprotein 200 kDa gene (SNRNP200) cause 1.6% of autosomal dominant retinitis pigmentosa. Mol Vis. 2013 Nov 24;19:2407-17. eCollection 2013. de Castro-Miro M et al. Combined genetic and high-throughput strategies for molecular diagnosis of inherited retinal dystrophies. PLoS One. 2014 Feb 7;9(2):e88410.

Clinical Genetics Service, Universitary Hospital 12 de Octubre
Classification: Pathogenic for Retinitis pigmentosa 33. Review status: criteria provided, single submitter. Criteria: ACMG Guidelines, 2015. Collection method: clinical testing. Allele origin: germline. Affected: yes.

Department of Clinical Genetics, Copenhagen University Hospital, Rigshospitalet
Classification: Likely pathogenic for Retinitis pigmentosa. Last evaluated: 2018-04-01. Review status: no assertion criteria provided. Collection method: research. Allele origin: unknown. Affected: yes. Study: VeluxRD. Not counted in ClinVar's aggregate classification.

Clinical Genetics DNA and cytogenetics Diagnostics Lab, Erasmus MC, Erasmus Medical Center
Classification: Pathogenic. Review status: no assertion criteria provided. Collection method: clinical testing. Allele origin: germline. Affected: yes. Study: VKGL Data-share Consensus. Not counted in ClinVar's aggregate classification.

Joint Genome Diagnostic Labs from Nijmegen and Maastricht, Radboudumc and MUMC+
Classification: Likely pathogenic. Review status: no assertion criteria provided. Collection method: clinical testing. Allele origin: germline. Affected: yes. Study: VKGL Data-share Consensus. Not counted in ClinVar's aggregate classification.

Literature cited by the submitters: PubMed 31486839 (cited by Dasa and Institute of Human Genetics, Univ. Regensburg, Univ. Regensburg); PubMed 31260034 (cited by Dasa); PubMed 24319334 (cited by Dasa and Broad Center for Mendelian Genomics, Broad Institute of MIT and Harvard); PubMed 21618346 (cited by 4 submitters); PubMed 28076437 (cited by Labcorp Genetics (formerly Invitae), Labcorp and Broad Center for Mendelian Genomics, Broad Institute of MIT and Harvard); PubMed 24940031 (cited by Labcorp Genetics (formerly Invitae), Labcorp and Broad Center for Mendelian Genomics, Broad Institute of MIT and Harvard); PubMed 30360737 (cited by Labcorp Genetics (formerly Invitae), Labcorp and Broad Center for Mendelian Genomics, Broad Institute of MIT and Harvard); PubMed 24664689 (cited by Institute of Human Genetics, Univ. Regensburg, Univ. Regensburg); PubMed 31054281 (cited by Institute of Human Genetics, Univ. Regensburg, Univ. Regensburg); PubMed 31213501 (cited by Institute of Human Genetics, Univ. Regensburg, Univ. Regensburg); PubMed 32531858 (cited by Institute of Human Genetics, Univ. Regensburg, Univ. Regensburg); PubMed 33576794 (cited by Institute of Human Genetics, Univ. Regensburg, Univ. Regensburg); PubMed 34721897 (cited by Institute of Human Genetics, Univ. Regensburg, Univ. Regensburg); PubMed 33946315 (cited by Institute of Human Genetics, Univ. Regensburg, Univ. Regensburg); PubMed 33691693 (cited by Institute of Human Genetics, Univ. Regensburg, Univ. Regensburg); PubMed 33411470 (cited by Institute of Human Genetics, Univ. Regensburg, Univ. Regensburg); PubMed 36460718 (cited by Institute of Human Genetics, Univ. Regensburg, Univ. Regensburg); PubMed 35138024 (cited by Institute of Human Genetics, Univ. Regensburg, Univ. Regensburg); PubMed 36819107 (cited by Institute of Human Genetics, Univ. Regensburg, Univ. Regensburg); PubMed 34906470 (cited by Broad Center for Mendelian Genomics, Broad Institute of MIT and Harvard); PubMed 30718709 (cited by Broad Center for Mendelian Genomics, Broad Institute of MIT and Harvard and Department of Clinical Genetics, Copenhagen University Hospital, Rigshospitalet).

NM_014014.5(SNRNP200):c.2041C>T (p.Arg681Cys)

Gene: SNRNP200 (small nuclear ribonucleoprotein U5 subunit 200; minus strand). Cytogenetic location: 2q11.2.
Variant type: single nucleotide variant.
Coding change: c.2041C>T on transcript NM_014014.5 (MANE Select); coding-DNA position 2041, C replaced by T.
Protein change: p.Arg681Cys; replaces arginine 681 with cysteine.
Molecular consequence: missense variant.
Genome position (GRCh38, 1-based): chr2:96,293,091, G>A on the plus strand (C>T on the coding strand, the complement: SNRNP200 is on the minus strand). VCF-style: chr2-96293091-G-A. GRCh37 (hg19) VCF-style: chr2-96958829-G-A.
Other names: short protein forms R681C.
Identifiers: ClinVar variation 636112 (VCV000636112.69), dbSNP rs959069360, ClinGen allele CA52399864.